The following is an entry in ClinVar:

ClinVar aggregate classification (germline): Uncertain significance (1 of 4 stars; one submission).

Conditions:
Fanconi anemia (FA). Also called: Fanconi's anemia. Identifiers: Orphanet 84, MedGen C0015625, MeSH D005199, MONDO:0019391.

Allele frequency attached by ClinVar (database versions not stated): gnomAD exomes below 0.00001; ExAC 0.00001.

Submission:

Labcorp Genetics (formerly Invitae), Labcorp
Classification: Uncertain significance for Fanconi anemia. Last evaluated: 2021-07-25. Review status: criteria provided, single submitter. Criteria: Invitae Variant Classification Sherloc (09022015). Collection method: clinical testing. Allele origin: germline.
Comment: In summary, the available evidence is currently insufficient to determine the role of this variant in disease. Therefore, it has been classified as a Variant of Uncertain Significance. Algorithms developed to predict the effect of missense changes on protein structure and function (SIFT, PolyPhen-2, Align-GVGD) all suggest that this variant is likely to be tolerated. This variant has not been reported in the literature in individuals affected with FANCL-related conditions. This variant is present in population databases (rs754363760, ExAC 0.01%). This sequence change replaces glutamine with arginine at codon 75 of the FANCL protein (p.Gln75Arg). The glutamine residue is moderately conserved and there is a small physicochemical difference between glutamine and arginine.

NM_018062.4(FANCL):c.224A>G (p.Gln75Arg)

Gene: FANCL (FA complementation group L; minus strand). Cytogenetic location: 2p16.1.
Variant type: single nucleotide variant.
Coding change: c.224A>G on transcript NM_018062.4 (MANE Select); coding-DNA position 224, A replaced by G.
Protein change: p.Gln75Arg; replaces glutamine 75 with arginine.
Molecular consequence: missense variant.
Genome position (GRCh38, 1-based): chr2:58,226,777, T>C on the plus strand (A>G on the coding strand, the complement: FANCL is on the minus strand). VCF-style: chr2-58226777-T-C. GRCh37 (hg19) VCF-style: chr2-58453912-T-C.
Other names: c.224A>G, p.Gln75Arg (NM_001114636.2, NM_001374615.1, NM_001410792.1); short protein forms Q75R.
Identifiers: ClinVar variation 1521489 (VCV001521489.8), dbSNP rs754363760, ClinGen allele CA1670732.